The following is an entry in ClinVar:

ClinVar aggregate classification (germline): Uncertain significance (1 of 4 stars; one submission).

gnomAD v4.1: 4 of 1,573,910 alleles (0.00025%); highest among the groups gnomAD compares: Non-Finnish European, 0.00026%; no homozygotes.

Submission:

GeneDx
Classification: Uncertain significance. Last evaluated: 2026-09-09. Review status: criteria provided, single submitter. Criteria: GeneDx Variant Classification Process June 2021. Collection method: clinical testing. Allele origin: germline.
Comment: Not observed at significant frequency in large population cohorts (gnomAD); In silico analysis supports that this missense variant has a deleterious effect on protein structure/function; Has not been previously published as pathogenic or benign to our knowledge

NM_144973.4(DENND5B):c.2797A>G (p.Thr933Ala)

Gene: DENND5B (DENN domain containing 5B; minus strand). Cytogenetic location: 12p11.21.
Variant type: single nucleotide variant.
Coding change: c.2797A>G on transcript NM_144973.4 (MANE Select); coding-DNA position 2797, A replaced by G.
Protein change: p.Thr933Ala; replaces threonine 933 with alanine.
Molecular consequence: missense variant.
Genome position (GRCh38, 1-based): chr12:31,409,269, T>C on the plus strand (A>G on the coding strand, the complement: DENND5B is on the minus strand). VCF-style: chr12-31409269-T-C. GRCh37 (hg19) VCF-style: chr12-31562203-T-C.
Other names: c.2902A>G, p.Thr968Ala (NM_001308339.2); short protein forms T933A, T968A.
Identifiers: ClinVar variation 3391792 (VCV003391792.2).
Genomic context (GRCh38, chr12:31,409,269, plus strand): 5'-TTTTATTGCATTGGTCACCTCAGTAACCCTTAACGGTCAATTCTCTAGACTTACTGATAG[T>C]GGTGAACACACTGGTGAAGCAGAAATAGTCCACAGCATTGAGAGAAAGAAGGTGGTAAAG-3'
Protein context (NP_659410.3, residues 923-943): DYFCFTSVFT[Thr933Ala]IMIPYRSVII